The following is an entry in ClinVar:

NM_000218.3(KCNQ1):c.684-5C>T

Gene: KCNQ1 (potassium voltage-gated channel subfamily Q member 1; plus strand). Cytogenetic location: 11p15.5.
Variant type: single nucleotide variant.
Coding change: c.684-5C>T on transcript NM_000218.3 (MANE Select); 5 bases into the intron before coding-DNA position 684, C replaced by T.
Molecular consequence: intron variant.
Genome position (GRCh38, 1-based): chr11:2,572,008, C>T. VCF-style: chr11-2572008-C-T. GRCh37 (hg19) VCF-style: chr11-2593238-C-T.
Other names: c.414-5C>T (NM_001406837.1); c.684-5C>T (NM_001406836.1); c.478-11427C>T (NM_001406838.1); c.303-5C>T (NM_181798.2).
Identifiers: ClinVar variation 527102 (VCV000527102.17), dbSNP rs1212611138, ClinGen allele CA597109388.

ClinVar aggregate classification (germline): Conflicting classifications of pathogenicity. Review status: criteria provided, conflicting classifications (1 of 4 stars). 4 submissions from 4 submitters: Uncertain significance (1); Likely benign (3). Last evaluated 2025-08-26.

Conditions:
Cardiovascular phenotype. Identifiers: MedGen CN230736.
Cardiac arrhythmia. Also called: Cardiac rhythm disease; Arrhythmia. Identifiers: MedGen C0003811, MONDO:0007263, HP:0011675.
Long QT syndrome (LQTS). Identifiers: MedGen C0023976, MeSH D008133, MONDO:0002442. Disease mechanism: loss of function. Inheritance: Various modes of inheritance.

Allele frequency attached by ClinVar (database versions not stated): gnomAD exomes below 0.00001; TOPMed below 0.00001; gnomAD 0.00001.
gnomAD v4.1: 12 of 1,610,924 alleles (0.00074%); highest among the groups gnomAD compares: Admixed American, 0.0017%; no homozygotes.

Submissions (4):

Labcorp Genetics (formerly Invitae), Labcorp
Classification: Likely benign for Long QT syndrome. Last evaluated: 2025-08-26. Review status: criteria provided, single submitter. Criteria: Invitae Variant Classification Sherloc (09022015). Collection method: clinical testing. Allele origin: germline.

Ambry Genetics
Classification: Uncertain significance for Cardiovascular phenotype. Last evaluated: 2024-04-18. Review status: criteria provided, single submitter. Criteria: Ambry Variant Classification Scheme 2023. Collection method: clinical testing. Allele origin: germline.
Comment: The c.684-5C>T intronic variant results from a C to T substitution 5 nucleotides upstream from coding exon 5 in the KCNQ1 gene. This nucleotide position is not well conserved in available vertebrate species. In silico splice site analysis predicts that this alteration will not have any significant effect on splicing. Based on the available evidence, the clinical significance of this variant remains unclear.

Color Diagnostics, LLC DBA Color Health
Classification: Likely benign for Arrhythmia. Last evaluated: 2020-03-11. Review status: criteria provided, single submitter. Criteria: ACMG Guidelines, 2015. Collection method: clinical testing. Allele origin: germline.

Blueprint Genetics
Classification: Likely benign. Last evaluated: 2018-11-15. Review status: criteria provided, single submitter. Criteria: ACMG Guidelines, 2015. Collection method: clinical testing. Allele origin: germline.